The following is an entry in ClinVar:

ClinVar aggregate classification (germline): Conflicting classifications of pathogenicity. Review status: criteria provided, conflicting classifications (1 of 4 stars). 2 submissions from 2 submitters: Pathogenic (1); Uncertain significance (1). Last evaluated 2025-07-27.

Conditions:
Neurofibromatosis, type 1 (NF1). Also called: Peripheral type neurofibromatosis; Neurofibromatosis, type I; VON RECKLINGHAUSEN DISEASE; NEUROFIBROMATOSIS, TYPE I, SOMATIC. Identifiers: Orphanet 636, MedGen C0027831, MONDO:0018975, OMIM 162200. Disease mechanism: loss of function.

Submissions (2):

Labcorp Genetics (formerly Invitae), Labcorp
Classification: Pathogenic for Neurofibromatosis, type 1. Last evaluated: 2025-07-27. Review status: criteria provided, single submitter. Criteria: Invitae Variant Classification Sherloc (09022015). Collection method: clinical testing. Allele origin: germline.
Comment: This sequence change replaces leucine, which is neutral and non-polar, with arginine, which is basic and polar, at codon 1856 of the NF1 protein (p.Leu1856Arg). This variant is not present in population databases (gnomAD no frequency). This missense change has been observed in individual(s) with clinical features of neurofibromatosis type I (internal data). In at least one individual the variant was observed to be de novo. ClinVar contains an entry for this variant (Variation ID: 944817). Invitae Evidence Modeling of protein sequence and biophysical properties (such as structural, functional, and spatial information, amino acid conservation, physicochemical variation, residue mobility, and thermodynamic stability) indicates that this missense variant is expected to disrupt NF1 protein function with a positive predictive value of 95%. For these reasons, this variant has been classified as Pathogenic.

Athena Diagnostics
Classification: Uncertain significance. Last evaluated: 2024-02-28. Review status: criteria provided, single submitter. Criteria: Athena Diagnostics Criteria. Collection method: clinical testing. Allele origin: unknown.
Comment: Available data are insufficient to determine the clinical significance of the variant at this time. This variant has not been reported in large, multi-ethnic general populations. Computational tools predict that this variant is damaging.

NM_001042492.3(NF1):c.5630T>G (p.Leu1877Arg)

Gene: NF1 (neurofibromin 1; plus strand). Cytogenetic location: 17q11.2.
Variant type: single nucleotide variant.
Coding change: c.5630T>G on transcript NM_001042492.3 (MANE Select); coding-DNA position 5630, T replaced by G.
Protein change: p.Leu1877Arg; replaces leucine 1877 with arginine.
Molecular consequence: missense variant.
Genome position (GRCh38, 1-based): chr17:31,330,316, T>G. VCF-style: chr17-31330316-T-G. GRCh37 (hg19) VCF-style: chr17-29657334-T-G.
Other names: c.5567T>G, p.Leu1856Arg (NM_000267.4); short protein forms L1877R, L1856R.
Identifiers: ClinVar variation 944817 (VCV000944817.7), dbSNP rs2069448419, ClinGen allele CA399010134.